The following is an entry in ClinVar:

NM_032620.4(GTPBP3):c.715G>A (p.Asp239Asn)

Gene: GTPBP3 (GTP binding protein 3, mitochondrial; plus strand). Cytogenetic location: 19p13.11.
Variant type: single nucleotide variant.
Coding change: c.715G>A on transcript NM_032620.4 (MANE Select); coding-DNA position 715, G replaced by A.
Protein change: p.Asp239Asn; replaces aspartic acid 239 with asparagine.
Molecular consequence: missense variant.
Genome position (GRCh38, 1-based): chr19:17,339,173, G>A. VCF-style: chr19-17339173-G-A. GRCh37 (hg19) VCF-style: chr19-17449982-G-A.
Other names: c.715G>A, p.Asp239Asn (NM_001128855.3); c.781G>A, p.Asp261Asn (NM_001195422.1); c.811G>A, p.Asp271Asn (NM_133644.4); short protein forms D239N, D261N, D271N.
Identifiers: ClinVar variation 1381961 (VCV001381961.6), dbSNP rs374198861, ClinGen allele CA9293471.
Genomic context (GRCh38, chr19:17,339,173, plus strand): 5'-TCACCCACAGCCGACATCGAAGTACGGGCACTGCAGGTGGCCCTGGGTGCACATCTACGA[G>A]ATGCCAGGCGCGGGCAGAGGCTCCGCTCAGGGGTGCACGTAGTGGTCACTGGACCCCCCA-3'
Protein context (NP_116009.2, residues 229-249): LQVALGAHLR[Asp239Asn]ARRGQRLRSG

ClinVar aggregate classification (germline): Uncertain significance (1 of 4 stars; one submission).

gnomAD v4.1: 18 of 1,613,888 alleles (0.0011%); highest among the groups gnomAD compares: Non-Finnish European, 0.0015%; no homozygotes.

Submission:

Labcorp Genetics (formerly Invitae), Labcorp
Classification: Uncertain significance. Last evaluated: 2025-03-17. Review status: criteria provided, single submitter. Criteria: Invitae Variant Classification Sherloc (09022015). Collection method: clinical testing. Allele origin: germline.
Comment: This sequence change replaces aspartic acid, which is acidic and polar, with asparagine, which is neutral and polar, at codon 271 of the GTPBP3 protein (p.Asp271Asn). This variant is present in population databases (rs374198861, gnomAD 0.0009%). This variant has not been reported in the literature in individuals affected with GTPBP3-related conditions. ClinVar contains an entry for this variant (Variation ID: 1381961). Invitae Evidence Modeling of protein sequence and biophysical properties (such as structural, functional, and spatial information, amino acid conservation, physicochemical variation, residue mobility, and thermodynamic stability) indicates that this missense variant is not expected to disrupt GTPBP3 protein function with a negative predictive value of 80%. In summary, the available evidence is currently insufficient to determine the role of this variant in disease. Therefore, it has been classified as a Variant of Uncertain Significance.